The following is an entry in ClinVar:

ClinVar aggregate classification (germline): Pathogenic/Likely pathogenic. Review status: criteria provided, multiple submitters, no conflicts (2 of 4 stars). 2 submissions from 2 submitters: Pathogenic (1); Likely pathogenic (1). Last evaluated 2024-11-01.

Conditions:
Kleefstra syndrome 1 (KLEFS1). Identifiers: Orphanet 261494, MedGen C0795833, MONDO:0027407, OMIM 610253.
EHMT1-related disorders.

Submissions (2):

Clinical Genetics Center, Xinhua Hospital affiliated to Shanghai Jiao Tong University School of Medicine
Classification: Pathogenic for Kleefstra syndrome 1. Last evaluated: 2024-11-01. Review status: criteria provided, single submitter. Criteria: ACMG Guidelines, 2015. Collection method: clinical testing. Allele origin: de novo. Affected: yes.
Comment: PVS1+PM6+PM2_Supporting

Blueprint Genetics
Classification: Likely pathogenic for EHMT1-related disorders. Last evaluated: 2019-12-21. Review status: criteria provided, single submitter. Criteria: ACMG Guidelines, 2015. Collection method: clinical testing. Allele origin: germline. Affected: yes. Observed: 1 variant allele.

NM_024757.5(EHMT1):c.2867+2T>C

Gene: EHMT1 (euchromatic histone lysine methyltransferase 1; plus strand). Cytogenetic location: 9q34.3.
Variant type: single nucleotide variant.
Coding change: c.2867+2T>C on transcript NM_024757.5 (MANE Select); the canonical splice donor site of the intron after coding-DNA position 2867, T replaced by C.
Molecular consequence: splice donor variant.
Genome position (GRCh38, 1-based): chr9:137,811,617, T>C. VCF-style: chr9-137811617-T-C. GRCh37 (hg19) VCF-style: chr9-140706069-T-C.
Other names: c.2846+2T>C (NM_001354263.2).
Identifiers: ClinVar variation 3391432 (VCV003391432.2).